The following is an entry in ClinVar:

NM_001876.4(CPT1A):c.1707del (p.Phe569fs)

Gene: CPT1A (carnitine palmitoyltransferase 1A; minus strand). Cytogenetic location: 11q13.3.
Variant type: Deletion.
Coding change: c.1707del on transcript NM_001876.4 (MANE Select); coding-DNA position 1707, one base deleted (T; older notation c.1707delT).
Protein change: p.Phe569fs; shifts the reading frame from phenylalanine 569.
Molecular consequence: frameshift variant.
Genome position (GRCh38, 1-based): chr11:68,773,298, A deleted on the plus strand (T on the coding strand, the reverse complement: CPT1A is on the minus strand); the first of 3 consecutive A bases (chr11:68,773,298-68,773,300); deleting any one gives the same sequence. VCF-style (leftmost placement, unchanged base first): chr11-68773297-CA-C. GRCh37 (hg19) VCF-style: chr11-68540765-CA-C.
Other names: c.1707del, p.Phe569fs (NM_001031847.3); short protein forms F569fs.
Identifiers: ClinVar variation 1725672 (VCV001725672.2), dbSNP rs1566348900, ClinGen allele CA918906221.

ClinVar aggregate classification (germline): Likely pathogenic (1 of 4 stars; one submission).

Conditions:
Carnitine palmitoyl transferase 1A deficiency. Also called: CPT I DEFICIENCY; CPT DEFICIENCY, HEPATIC, TYPE I; Carnitine palmitoyltransferase type I deficiency; CPT deficiency, hepatic, type IA; Carnitine palmitoyltransferase 1A deficiency. Identifiers: Orphanet 156, MedGen C1829703, MONDO:0009705, OMIM 255120.

Submission:

Myriad Genetics, Inc.
Classification: Likely pathogenic for Carnitine palmitoyl transferase 1A deficiency. Last evaluated: 2022-03-30. Review status: criteria provided, single submitter. Criteria: Myriad Women's Health Autosomal Recessive and X-Linked Classification Criteria (2021). Collection method: clinical testing. Allele origin: unknown.
Comment: NM_001876.3(CPT1A):c.1707delT(F569Lfs*25) is expected to be pathogenic in the context of carnitine palmitoyltransferase IA deficiency. This variant is predicted to lead to an abnormal or absent protein product due to the creation of a premature termination codon in CPT1A, a gene where loss-of-function variants are known to be pathogenic. Please note: this variant was assessed in the context of healthy population screening.